The following is an entry in ClinVar:

ClinVar aggregate classification (germline): Uncertain significance. Review status: criteria provided, multiple submitters, no conflicts (2 of 4 stars). 2 submissions from 2 submitters: Uncertain significance (2). Last evaluated 2026-03-21.

Conditions:
Inborn genetic diseases. Identifiers: MedGen C0950123, MeSH D030342.
MKKS-related disorder. Also called: MKKS-related disorders; MKKS-related condition.

Allele frequency attached by ClinVar (database versions not stated): TOPMed 0.00001; gnomAD 0.00002.
gnomAD v4.1: 4 of 1,613,896 alleles (0.00025%); highest among the groups gnomAD compares: African/African-American, 0.0053%; no homozygotes.

Submissions (2):

PreventionGenetics, part of Exact Sciences
Classification: Uncertain significance for MKKS-related condition. Last evaluated: 2026-03-21. Review status: criteria provided, single submitter. Criteria: ACMG Guidelines, 2015. Collection method: clinical testing. Allele origin: germline.
Comment: The MKKS c.444G>C variant is predicted to result in the amino acid substitution p.Gln148His. To our knowledge, this variant has not been reported in the literature. This variant is reported in 0.0062% of alleles in individuals of African descent in gnomAD. At this time, the clinical significance of this variant is uncertain due to the absence of conclusive functional and genetic evidence.

Ambry Genetics
Classification: Uncertain significance for Inborn genetic diseases. Last evaluated: 2023-02-10. Review status: criteria provided, single submitter. Criteria: Ambry Variant Classification Scheme 2023. Collection method: clinical testing. Allele origin: germline.

NM_170784.3(MKKS):c.444G>C (p.Gln148His)

Gene: MKKS (MKKS centrosomal shuttling protein; minus strand). Cytogenetic location: 20p12.2.
Variant type: single nucleotide variant.
Coding change: c.444G>C on transcript NM_170784.3 (MANE Select); coding-DNA position 444, G replaced by C.
Protein change: p.Gln148His; replaces glutamine 148 with histidine.
Molecular consequence: missense variant.
Genome position (GRCh38, 1-based): chr20:10,413,071, C>G on the plus strand (G>C on the coding strand, the complement: MKKS is on the minus strand). VCF-style: chr20-10413071-C-G. GRCh37 (hg19) VCF-style: chr20-10393719-C-G.
Other names: c.444G>C, p.Gln148His (NM_018848.3); short protein forms Q148H.
Identifiers: ClinVar variation 2482762 (VCV002482762.3), dbSNP rs749050515, ClinGen allele CA311323866.
Genomic context (GRCh38, chr20:10,413,071, plus strand): 5'-TCTGGTGAGCATACAGGCAGGTTTACTTGTTAATATACTACGCACCAAACAAAGGAGGAT[C>G]TGAGTACTACTAAAGTCCACTGGGATTCGACAACCACAGGTCTCAGACTTGAGATAACTG-3'
Protein context (NP_740754.1, residues 138-158): CRIPVDFSST[Gln148His]ILLCLVRSIL